The following is an entry in ClinVar:

ClinVar aggregate classification (germline): Uncertain significance (1 of 4 stars; one submission).

Conditions:
Tuberous sclerosis 2 (TSC2). Identifiers: Orphanet 805, MedGen C1860707, MONDO:0013199, OMIM 613254.

Allele frequency attached by ClinVar (database versions not stated): gnomAD 0.00001.
gnomAD v4.1: 1 of 1,594,796 alleles (0.000063%); highest among the groups gnomAD compares: East Asian, 0.0023%; no homozygotes.

Submission:

Labcorp Genetics (formerly Invitae), Labcorp
Classification: Uncertain significance for Tuberous sclerosis 2. Last evaluated: 2023-10-10. Review status: criteria provided, single submitter. Criteria: Invitae Variant Classification Sherloc (09022015). Collection method: clinical testing. Allele origin: germline.
Comment: This sequence change replaces threonine, which is neutral and polar, with serine, which is neutral and polar, at codon 659 of the TSC2 protein (p.Thr659Ser). The frequency data for this variant in the population databases is considered unreliable, as metrics indicate poor data quality at this position in the gnomAD database. This variant has not been reported in the literature in individuals affected with TSC2-related conditions. ClinVar contains an entry for this variant (Variation ID: 2089170). Advanced modeling of protein sequence and biophysical properties (such as structural, functional, and spatial information, amino acid conservation, physicochemical variation, residue mobility, and thermodynamic stability) performed at Invitae indicates that this missense variant is not expected to disrupt TSC2 protein function. In summary, the available evidence is currently insufficient to determine the role of this variant in disease. Therefore, it has been classified as a Variant of Uncertain Significance.

NM_000548.5(TSC2):c.1975A>T (p.Thr659Ser)

Gene: TSC2 (TSC complex subunit 2; plus strand). Cytogenetic location: 16p13.3.
Variant type: single nucleotide variant.
Coding change: c.1975A>T on transcript NM_000548.5 (MANE Select); coding-DNA position 1975, A replaced by T.
Protein change: p.Thr659Ser; replaces threonine 659 with serine.
Molecular consequence: missense variant.
Genome position (GRCh38, 1-based): chr16:2,071,812, A>T. VCF-style: chr16-2071812-A-T. GRCh37 (hg19) VCF-style: chr16-2121813-A-T.
Other names: c.1975A>T, p.Thr659Ser (NM_001077183.3, NM_001114382.3, NM_001363528.2 and 6 more transcripts); c.1864A>T, p.Thr622Ser (NM_001318827.2, NM_001406670.1, NM_001406678.1); c.1828A>T, p.Thr610Ser (NM_001318829.2, NM_001406675.1, NM_001406676.1 and 1 more transcripts); c.1375A>T, p.Thr459Ser (NM_001318831.2, NM_001406685.1, NM_001406686.1 and 6 more transcripts); c.2008A>T, p.Thr670Ser (NM_001318832.2); c.2065A>T, p.Thr689Ser (NM_001406667.1, NM_001406668.1); c.1963A>T, p.Thr655Ser (NM_001406671.1, NM_001406673.1); c.631A>T, p.Thr211Ser (NM_001406689.1, NM_001406690.1, NM_001406691.1 and 6 more transcripts); and 3 more; short protein forms T640S, T670S, T125S, T459S, T610S, T655S, T211S, T505S.
Identifiers: ClinVar variation 2089170 (VCV002089170.4), dbSNP rs1398495219, ClinGen allele CA394274357.
Genomic context (GRCh38, chr16:2,071,812, plus strand): 5'-CTTGGCCTCAGCTGCTTCTCTTGCTTCTGCAGGGAGCCAGAGAGAGGCTCTGAGAAGAAG[A>T]CCAGCGGCCCCCTTTCTCCTCCCACAGGGCCTCCTGGCCCGGCGCCTGCAGGCCCCGCCG-3'
Protein context (NP_000539.2, residues 649-669): MEPERGSEKK[Thr659Ser]SGPLSPPTGP